The following is an entry in ClinVar:

ClinVar aggregate classification (germline): Likely benign. Review status: criteria provided, multiple submitters, no conflicts (2 of 4 stars). 2 submissions from 2 submitters: Likely benign (2). Last evaluated 2025-07-01.

Conditions:
Familial cold autoinflammatory syndrome 3 (FCAS3). Also called: FAMILIAL ATYPICAL COLD URTICARIA; ANTIBODY DEFICIENCY AND IMMUNE DYSREGULATION, PLCG2-ASSOCIATED. Identifiers: Orphanet 300359, MedGen C3280914, MONDO:0013766, OMIM 614468.

gnomAD v4.1: 12 of 1,613,462 alleles (0.00074%); highest among the groups gnomAD compares: African/African-American, 0.0027%; no homozygotes.

Submissions (2):

CeGaT Center for Human Genetics Tuebingen
Classification: Likely benign. Last evaluated: 2025-07-01. Review status: criteria provided, single submitter. Criteria: CeGaT Center For Human Genetics Tuebingen Variant Classification Criteria Version 2. Collection method: clinical testing. Allele origin: germline. Affected: yes. Observed: 1 variant allele.
Comment: PLCG2: BP4

Labcorp Genetics (formerly Invitae), Labcorp
Classification: Likely benign for Familial cold autoinflammatory syndrome 3. Last evaluated: 2025-05-11. Review status: criteria provided, single submitter. Criteria: Invitae Variant Classification Sherloc (09022015). Collection method: clinical testing. Allele origin: germline.

NM_002661.5(PLCG2):c.1734-6C>T

Gene: PLCG2 (phospholipase C gamma 2; plus strand). Cytogenetic location: 16q23.3.
Variant type: single nucleotide variant.
Coding change: c.1734-6C>T on transcript NM_002661.5 (MANE Select); 6 bases into the intron before coding-DNA position 1734, C replaced by T.
Molecular consequence: intron variant.
Genome position (GRCh38, 1-based): chr16:81,910,514, C>T. VCF-style: chr16-81910514-C-T. GRCh37 (hg19) VCF-style: chr16-81944119-C-T.
Other names: c.1734-6C>T (NM_001425751.1, NM_001425749.1, NM_001425750.1).
Identifiers: ClinVar variation 4084506 (VCV004084506.9).